The following is an entry in ClinVar:

NM_031220.4(PITPNM3):c.2713A>C (p.Lys905Gln)

Gene: PITPNM3 (PITPNM family member 3; minus strand). Cytogenetic location: 17p13.2.
Variant type: single nucleotide variant.
Coding change: c.2713A>C on transcript NM_031220.4 (MANE Select); coding-DNA position 2713, A replaced by C.
Protein change: p.Lys905Gln; replaces lysine 905 with glutamine.
Molecular consequence: missense variant.
Genome position (GRCh38, 1-based): chr17:6,455,550, T>G on the plus strand (A>C on the coding strand, the complement: PITPNM3 is on the minus strand). VCF-style: chr17-6455550-T-G. GRCh37 (hg19) VCF-style: chr17-6358870-T-G.
Other names: c.2605A>C, p.Lys869Gln (NM_001165966.2); short protein forms K905Q, K869Q.
Identifiers: ClinVar variation 2015326 (VCV002015326.4), dbSNP rs1181079421, ClinGen allele CA397401118.

ClinVar aggregate classification (germline): Uncertain significance (1 of 4 stars; one submission).

Submission:

Labcorp Genetics (formerly Invitae), Labcorp
Classification: Uncertain significance. Last evaluated: 2022-07-09. Review status: criteria provided, single submitter. Criteria: Invitae Variant Classification Sherloc (09022015). Collection method: clinical testing. Allele origin: germline.
Comment: In summary, the available evidence is currently insufficient to determine the role of this variant in disease. Therefore, it has been classified as a Variant of Uncertain Significance. Algorithms developed to predict the effect of missense changes on protein structure and function are either unavailable or do not agree on the potential impact of this missense change (SIFT: "Deleterious"; PolyPhen-2: "Possibly Damaging"; Align-GVGD: "Class C0"). This variant has not been reported in the literature in individuals affected with PITPNM3-related conditions. This variant is not present in population databases (gnomAD no frequency). This sequence change replaces lysine, which is basic and polar, with glutamine, which is neutral and polar, at codon 905 of the PITPNM3 protein (p.Lys905Gln).